The following is an entry in ClinVar:

ClinVar aggregate classification (germline): Uncertain significance. Review status: criteria provided, single submitter (1 of 4 stars). 2 submissions from 2 submitters: Uncertain significance (1). 1 of the submissions does not count toward it. Last evaluated 2024-06-13.

Conditions:
TRPV4-related disorder. Also called: TRPV4-related disorders; TRPV4-related condition.
Charcot-Marie-Tooth disease axonal type 2C (HMSN2C). Also called: CHARCOT-MARIE-TOOTH DISEASE, AXONAL, AUTOSOMAL DOMINANT, TYPE 2C; Charcot-Marie-Tooth Neuropathy Type 2C; Charcot-Marie-Tooth Disease Type 2, TRPV4-Related (CMT2C). Identifiers: Orphanet 99937, MedGen C1853710, MONDO:0011633, OMIM 606071.

Submissions (2):

Labcorp Genetics (formerly Invitae), Labcorp
Classification: Uncertain significance for Charcot-Marie-Tooth disease axonal type 2C. Last evaluated: 2024-06-13. Review status: criteria provided, single submitter. Criteria: Invitae Variant Classification Sherloc (09022015). Collection method: clinical testing. Allele origin: germline.
Comment: This sequence change replaces methionine, which is neutral and non-polar, with threonine, which is neutral and polar, at codon 375 of the TRPV4 protein (p.Met375Thr). This variant is not present in population databases (gnomAD no frequency). This variant has not been reported in the literature in individuals affected with TRPV4-related conditions. ClinVar contains an entry for this variant (Variation ID: 1713912). Advanced modeling of protein sequence and biophysical properties (such as structural, functional, and spatial information, amino acid conservation, physicochemical variation, residue mobility, and thermodynamic stability) has been performed at Invitae for this missense variant, however the output from this modeling did not meet the statistical confidence thresholds required to predict the impact of this variant on TRPV4 protein function. In summary, the available evidence is currently insufficient to determine the role of this variant in disease. Therefore, it has been classified as a Variant of Uncertain Significance.

PreventionGenetics, part of Exact Sciences
Classification: Likely pathogenic for TRPV4-related condition. Last evaluated: 2024-02-07. Review status: no assertion criteria provided. Collection method: clinical testing. Allele origin: germline. Not counted in ClinVar's aggregate classification.
Comment: The TRPV4 c.1124T>C variant is predicted to result in the amino acid substitution p.Met375Thr. To our knowledge, this variant has not been reported in the literature or in a large population database, indicating this variant is rare. This variant has been previously reported as a de novo finding in a patient with TRPV4-related disease. This variant is interpreted as likely pathogenic.

NM_021625.5(TRPV4):c.1124T>C (p.Met375Thr)

Gene: TRPV4 (transient receptor potential cation channel subfamily V member 4; minus strand). Cytogenetic location: 12q24.11.
Variant type: single nucleotide variant.
Coding change: c.1124T>C on transcript NM_021625.5 (MANE Select); coding-DNA position 1124, T replaced by C.
Protein change: p.Met375Thr; replaces methionine 375 with threonine.
Molecular consequence: missense variant.
Genome position (GRCh38, 1-based): chr12:109,798,642, A>G on the plus strand (T>C on the coding strand, the complement: TRPV4 is on the minus strand). VCF-style: chr12-109798642-A-G. GRCh37 (hg19) VCF-style: chr12-110236447-A-G.
Other names: c.983T>C, p.Met328Thr (NM_001177428.2, NM_001177433.2); c.1022T>C, p.Met341Thr (NM_001177431.2); c.1124T>C, p.Met375Thr (NM_147204.3); short protein forms M328T, M341T, M375T.
Identifiers: ClinVar variation 1713912 (VCV001713912.7), dbSNP rs1216683861, ClinGen allele CA386654105.